The following is an entry in ClinVar:

ClinVar aggregate classification (germline): Benign/Likely benign. Review status: criteria provided, multiple submitters, no conflicts (2 of 4 stars). 2 submissions from 2 submitters: Benign (1); Likely benign (1). Last evaluated 2024-11-12.

Allele frequency attached by ClinVar (database versions not stated): ExAC 0.00217; 1000 Genomes Project 0.00319; 1000 Genomes Project 30x 0.00375; gnomAD 0.00513; ESP Exome Variant Server 0.00561; TOPMed 0.00568.
gnomAD v4.1: 4,074 of 1,614,166 alleles (0.25%); highest among the groups gnomAD compares: African/African-American, 1.4%; 17 homozygotes.

Submissions (2):

Blueprint Genetics
Classification: Likely benign. Last evaluated: 2024-11-12. Review status: criteria provided, single submitter. Criteria: ACMG Guidelines, 2015. Collection method: clinical testing. Allele origin: germline.

CeGaT Center for Human Genetics Tuebingen
Classification: Benign. Last evaluated: 2022-08-01. Review status: criteria provided, single submitter. Criteria: CeGaT Center For Human Genetics Tuebingen Variant Classification Criteria Version 2. Collection method: clinical testing. Allele origin: germline. Affected: yes. Observed: 1 variant allele.
Comment: CYP2C19: BP4, BP7, BS1, BS2

NM_000769.4(CYP2C19):c.1059C>T (p.His353=)

Gene: CYP2C19 (cytochrome P450 family 2 subfamily C member 19; plus strand). Cytogenetic location: 10q23.33.
Variant type: single nucleotide variant.
Coding change: c.1059C>T on transcript NM_000769.4 (MANE Select); coding-DNA position 1059, C replaced by T.
Protein change: p.His353=; no amino-acid change (histidine 353 retained).
Molecular consequence: synonymous variant.
Genome position (GRCh38, 1-based): chr10:94,842,934, C>T. VCF-style: chr10-94842934-C-T. GRCh37 (hg19) VCF-style: chr10-96602691-C-T.
Identifiers: ClinVar variation 2640706 (VCV002640706.25), dbSNP rs17882744, ClinGen allele CA5616719.